The following is an entry in ClinVar:

ClinVar aggregate classification (germline): Conflicting classifications of pathogenicity. Review status: criteria provided, conflicting classifications (1 of 4 stars). 2 submissions from 2 submitters: Uncertain significance (1); Benign (1). Last evaluated 2026-05-22.

Conditions:
Inborn genetic diseases. Identifiers: MedGen C0950123, MeSH D030342.

Allele frequency attached by ClinVar (database versions not stated): gnomAD exomes below 0.00001; ExAC 0.00001.
gnomAD v4.1: 1 of 1,614,156 alleles (0.000062%); highest among the groups gnomAD compares: Admixed American, 0.0017%; no homozygotes.

Submissions (2):

Ambry Genetics
Classification: Uncertain significance for Inborn genetic diseases. Last evaluated: 2026-05-22. Review status: criteria provided, single submitter. Criteria: Ambry Variant Classification Scheme 2023. Collection method: clinical testing. Allele origin: germline.
Comment: The p.N904S variant (also known as c.2711A>G), located in coding exon 13 of the ASXL1 gene, results from an A to G substitution at nucleotide position 2711. The asparagine at codon 904 is replaced by serine, an amino acid with highly similar properties. This amino acid position is conserved. In addition, this alteration is predicted to be tolerated by in silico analysis. Based on the available evidence, the clinical significance of this variant remains unclear.

Labcorp Genetics (formerly Invitae), Labcorp
Classification: Benign. Last evaluated: 2018-02-25. Review status: criteria provided, single submitter. Criteria: Invitae Variant Classification Sherloc (09022015). Collection method: clinical testing. Allele origin: germline.

NM_015338.6(ASXL1):c.2711A>G (p.Asn904Ser)

Gene: ASXL1 (ASXL transcriptional regulator 1; plus strand). Cytogenetic location: 20q11.21.
Variant type: single nucleotide variant.
Coding change: c.2711A>G on transcript NM_015338.6 (MANE Select); coding-DNA position 2711, A replaced by G.
Protein change: p.Asn904Ser; replaces asparagine 904 with serine.
Molecular consequence: missense variant.
Genome position (GRCh38, 1-based): chr20:32,435,423, A>G. VCF-style: chr20-32435423-A-G. GRCh37 (hg19) VCF-style: chr20-31023226-A-G.
Other names: c.2528A>G, p.Asn843Ser (NM_001363734.1); short protein forms N843S, N904S.
Identifiers: ClinVar variation 784884 (VCV000784884.4), dbSNP rs765155567, ClinGen allele CA9808688.